The following is an entry in ClinVar:

ClinVar aggregate classification (germline): Pathogenic (1 of 4 stars; one submission).

Conditions:
Hereditary cancer-predisposing syndrome. Also called: Neoplastic Syndromes, Hereditary; Tumor predisposition; Hereditary Cancer Syndrome; Hereditary neoplastic syndrome. Identifiers: Orphanet 140162, MedGen C0027672, MeSH D009386, MONDO:0015356.

Submission:

Ambry Genetics
Classification: Pathogenic for Hereditary cancer-predisposing syndrome. Last evaluated: 2025-11-25. Review status: criteria provided, single submitter. Criteria: Ambry Variant Classification Scheme 2023. Collection method: clinical testing. Allele origin: germline.
Comment: The p.Y159* pathogenic mutation (also known as c.477C>A), located in coding exon 3 of the CHEK2 gene, results from a C to A substitution at nucleotide position 477. This changes the amino acid from a tyrosine to a stop codon within coding exon 3. This variant is considered to be rare based on population cohorts in the Genome Aggregation Database (gnomAD). This alteration is expected to result in loss of function by premature protein truncation or nonsense-mediated mRNA decay. As such, this alteration is interpreted as a disease-causing mutation.

NM_007194.4(CHEK2):c.477C>A (p.Tyr159Ter)

Gene: CHEK2 (checkpoint kinase 2; minus strand). Cytogenetic location: 22q12.1.
Variant type: single nucleotide variant.
Coding change: c.477C>A on transcript NM_007194.4 (MANE Select); coding-DNA position 477, C replaced by A.
Protein change: p.Tyr159Ter; replaces tyrosine 159 with a stop codon.
Molecular consequence: nonsense. On other transcripts: 5 prime UTR variant (2), intron variant (1).
Genome position (GRCh38, 1-based): chr22:28,725,092, G>T on the plus strand (C>A on the coding strand, the complement: CHEK2 is on the minus strand). VCF-style: chr22-28725092-G-T. GRCh37 (hg19) VCF-style: chr22-29121080-G-T.
Other names: c.606C>A, p.Tyr202Ter (NM_001005735.3, NM_001438294.1); c.-301C>A (NM_001257387.3); c.-187C>A (NM_001437942.1); c.570C>A, p.Tyr190Ter (NM_001438293.1, NM_001438295.1); c.477C>A, p.Tyr159Ter (NM_145862.3); c.444+151C>A (NM_001349956.3); short protein forms Y159*, Y190*, Y202*.
Identifiers: ClinVar variation 4634990 (VCV004634990.1).